The following is an entry in ClinVar:

ClinVar aggregate classification (germline): Uncertain significance (1 of 4 stars; one submission).

Conditions:
Lipodystrophy, partial, acquired, susceptibility to (APLD). Also called: APLD, SUSCEPTIBILITY TO. Identifiers: MedGen C3887501, MONDO:0100476, OMIM 608709.
Progressive myoclonic epilepsy type 9. Identifiers: Orphanet 457265, MedGen C4225289, MONDO:0014685, OMIM 616540.

Submission:

Labcorp Genetics (formerly Invitae), Labcorp
Classification: Uncertain significance for Progressive myoclonic epilepsy type 9; Lipodystrophy, partial, acquired, susceptibility to. Last evaluated: 2023-12-11. Review status: criteria provided, single submitter. Criteria: Invitae Variant Classification Sherloc (09022015). Collection method: clinical testing. Allele origin: germline.
Comment: This sequence change replaces leucine, which is neutral and non-polar, with methionine, which is neutral and non-polar, at codon 198 of the LMNB2 protein (p.Leu198Met). This variant is not present in population databases (gnomAD no frequency). This variant has not been reported in the literature in individuals affected with LMNB2-related conditions. ClinVar contains an entry for this variant (Variation ID: 1023086). Advanced modeling of protein sequence and biophysical properties (such as structural, functional, and spatial information, amino acid conservation, physicochemical variation, residue mobility, and thermodynamic stability) performed at Invitae indicates that this missense variant is expected to disrupt LMNB2 protein function with a positive predictive value of 80%. In summary, the available evidence is currently insufficient to determine the role of this variant in disease. Therefore, it has been classified as a Variant of Uncertain Significance.

NM_032737.4(LMNB2):c.592C>A (p.Leu198Met)

Gene: LMNB2 (lamin B2; minus strand). Cytogenetic location: 19p13.3.
Variant type: single nucleotide variant.
Coding change: c.592C>A on transcript NM_032737.4 (MANE Select); coding-DNA position 592, C replaced by A.
Protein change: p.Leu198Met; replaces leucine 198 with methionine.
Molecular consequence: missense variant.
Genome position (GRCh38, 1-based): chr19:2,438,255, G>T on the plus strand (C>A on the coding strand, the complement: LMNB2 is on the minus strand). VCF-style: chr19-2438255-G-T. GRCh37 (hg19) VCF-style: chr19-2438253-G-T.
Other names: short protein forms L198M.
Identifiers: ClinVar variation 1023086 (VCV001023086.8), dbSNP rs1971851307, ClinGen allele CA403257284.